The following is an entry in ClinVar:

NM_005763.4(AASS):c.767-4C>A

Gene: AASS (aminoadipate-semialdehyde synthase; minus strand). Cytogenetic location: 7q31.32.
Variant type: single nucleotide variant.
Coding change: c.767-4C>A on transcript NM_005763.4 (MANE Select); 4 bases into the intron before coding-DNA position 767, C replaced by A.
Molecular consequence: intron variant.
Genome position (GRCh38, 1-based): chr7:122,116,764, G>T on the plus strand (C>A on the coding strand, the complement: AASS is on the minus strand). VCF-style: chr7-122116764-G-T. GRCh37 (hg19) VCF-style: chr7-121756818-G-T.
Identifiers: ClinVar variation 742062 (VCV000742062.8), dbSNP rs745523217, ClinGen allele CA4458537.

ClinVar aggregate classification (germline): Likely benign. Review status: criteria provided, single submitter (1 of 4 stars). 2 submissions from 2 submitters: Likely benign (1). 1 of the submissions does not count toward it. Last evaluated 2025-11-21.

Conditions:
AASS-related disorder. Also called: AASS-related condition.

Allele frequency attached by ClinVar (database versions not stated): ExAC 0.00001; gnomAD 0.00015 and 0.00019.
gnomAD v4.1: 40 of 1,613,900 alleles (0.0025%); highest among the groups gnomAD compares: Admixed American, 0.053%; no homozygotes.

Submissions (2):

Labcorp Genetics (formerly Invitae), Labcorp
Classification: Likely benign. Last evaluated: 2025-11-21. Review status: criteria provided, single submitter. Criteria: Invitae Variant Classification Sherloc (09022015). Collection method: clinical testing. Allele origin: germline.

PreventionGenetics, part of Exact Sciences
Classification: Likely benign for AASS-related condition. Last evaluated: 2019-06-18. Review status: no assertion criteria provided. Collection method: clinical testing. Allele origin: germline. Not counted in ClinVar's aggregate classification.
Comment: This variant is classified as likely benign based on ACMG/AMP sequence variant interpretation guidelines (Richards et al. 2015 PMID: 25741868, with internal and published modifications).